The following is an entry in ClinVar:

ClinVar aggregate classification (germline): Conflicting classifications of pathogenicity. Review status: criteria provided, conflicting classifications (1 of 4 stars). 8 submissions from 8 submitters: Uncertain significance (1); Benign (6); Likely benign (1). Last evaluated 2026-09-01.

Conditions:
Primary ciliary dyskinesia. Also called: Ciliary dyskinesia. Identifiers: Orphanet 244, MedGen C0008780, MONDO:0016575, HP:0012265.
Primary ciliary dyskinesia 15. Also called: CILIARY DYSKINESIA, PRIMARY, 15, WITH OR WITHOUT SITUS INVERSUS. Identifiers: Orphanet 244, MedGen C3151137, MONDO:0013435, OMIM 613808.

Allele frequency attached by ClinVar (database versions not stated): TOPMed 0.00356; ESP Exome Variant Server 0.00361; 1000 Genomes Project 0.00379; 1000 Genomes Project 30x 0.00422; gnomAD 0.00481 and 0.00483; ExAC 0.00581; gnomAD exomes 0.00598 and 0.00607.
gnomAD v4.1: 9,549 of 1,613,620 alleles (0.59%); highest among the groups gnomAD compares: Non-Finnish European, 0.59%; 46 homozygotes.

Submissions (8):

CeGaT Center for Human Genetics Tuebingen
Classification: Likely benign. Last evaluated: 2026-09-01. Review status: criteria provided, single submitter. Criteria: CeGaT Center For Human Genetics Tuebingen Variant Classification Criteria Version 2. Collection method: clinical testing. Allele origin: germline. Affected: yes. Observed: 3 variant alleles.
Comment: CCDC40: BP4, BP7, BS2

Labcorp Genetics (formerly Invitae), Labcorp
Classification: Benign for Primary ciliary dyskinesia. Last evaluated: 2026-02-01. Review status: criteria provided, single submitter. Criteria: Invitae Variant Classification Sherloc (09022015). Collection method: clinical testing. Allele origin: germline.

Mayo Clinic Laboratories, Mayo Clinic
Classification: Benign. Last evaluated: 2024-10-29. Review status: criteria provided, single submitter. Criteria: ACMG Guidelines, 2015. Collection method: clinical testing. Allele origin: germline. Observed: 1 variant allele.
Comment: BS1, BS2, BP4, BP7

GeneDx
Classification: Benign. Last evaluated: 2020-11-05. Review status: criteria provided, single submitter. Criteria: GeneDx Variant Classification Process June 2021. Collection method: clinical testing. Allele origin: germline. Affected: yes.

Illumina Laboratory Services, Illumina
Classification: Uncertain significance for Primary ciliary dyskinesia 15. Last evaluated: 2018-01-12. Review status: criteria provided, single submitter. Criteria: ICSL Variant Classification Criteria 13 December 2019. Collection method: clinical testing. Allele origin: germline.

Ambry Genetics
Classification: Benign for Primary ciliary dyskinesia. Last evaluated: 2016-07-08. Review status: criteria provided, single submitter. Criteria: Ambry Variant Classification Scheme 2023. Collection method: clinical testing. Allele origin: germline.

Eurofins Ntd Llc (ga)
Classification: Benign. Last evaluated: 2015-02-17. Review status: criteria provided, single submitter. Criteria: EGL Classification Definitions 2015. Collection method: clinical testing. Allele origin: germline. Observed: 1 variant allele, 1 heterozygote.

PreventionGenetics, part of Exact Sciences
Classification: Benign. Review status: criteria provided, single submitter. Criteria: ACMG Guidelines, 2015. Collection method: clinical testing. Allele origin: germline.

NM_017950.4(CCDC40):c.630C>T (p.Ser210=)

Gene: CCDC40 (coiled-coil domain 40 molecular ruler complex subunit; plus strand). Cytogenetic location: 17q25.3.
Variant type: single nucleotide variant.
Coding change: c.630C>T on transcript NM_017950.4 (MANE Select); coding-DNA position 630, C replaced by T.
Protein change: p.Ser210=; no amino-acid change (serine 210 retained).
Molecular consequence: synonymous variant.
Genome position (GRCh38, 1-based): chr17:80,047,356, C>T. VCF-style: chr17-80047356-C-T. GRCh37 (hg19) VCF-style: chr17-78021155-C-T.
Other names: p.Ser210=; c.630C>T, p.Ser210= (NM_001243342.2, NM_001330508.2).
Identifiers: ClinVar variation 197317 (VCV000197317.40), dbSNP rs117419007, ClinGen allele CA202815.